The following is an entry in ClinVar:

ClinVar aggregate classification (germline): Pathogenic. Review status: criteria provided, multiple submitters, no conflicts (2 of 4 stars). 2 submissions from 2 submitters: Pathogenic (2). Last evaluated 2025-06-02.

Conditions:
Hereditary cancer-predisposing syndrome. Also called: Neoplastic Syndromes, Hereditary; Tumor predisposition; Hereditary Cancer Syndrome; Hereditary neoplastic syndrome. Identifiers: Orphanet 140162, MedGen C0027672, MeSH D009386, MONDO:0015356.
Hereditary breast ovarian cancer syndrome. Also called: Hereditary breast and ovarian cancer; BRCA1- and BRCA2-Associated Hereditary Breast and Ovarian Cancer; Hereditary breast and ovarian cancer syndrome; Hereditary breast and ovarian cancer syndrome (HBOC); Breast and ovarian cancer; Hereditary breast and/or ovarian cancer syndrome. Identifiers: Orphanet 145, MedGen C0677776, MeSH D061325, MONDO:0003582. Disease mechanism: loss of function.

Submissions (2):

Ambry Genetics
Classification: Pathogenic for Hereditary cancer-predisposing syndrome. Last evaluated: 2025-06-02. Review status: criteria provided, single submitter. Criteria: Ambry Variant Classification Scheme 2023. Collection method: clinical testing. Allele origin: germline.
Comment: The c.733_740delAGATTTAT pathogenic mutation, located in coding exon 8 of the BRCA2 gene, results from a deletion of 8 nucleotides at nucleotide positions 733 to 740, causing a translational frameshift with a predicted alternate stop codon (p.I247Cfs*5). This variant is considered to be rare based on population cohorts in the Genome Aggregation Database (gnomAD). In addition, this alteration is expected to result in loss of function by premature protein truncation or nonsense-mediated mRNA decay. As such, this alteration is interpreted as a disease-causing mutation.

Labcorp Genetics (formerly Invitae), Labcorp
Classification: Pathogenic for Hereditary breast ovarian cancer syndrome. Last evaluated: 2023-04-06. Review status: criteria provided, single submitter. Criteria: Invitae Variant Classification Sherloc (09022015). Collection method: clinical testing. Allele origin: germline.
Comment: This sequence change creates a premature translational stop signal (p.Ile247Cysfs*5) in the BRCA2 gene. It is expected to result in an absent or disrupted protein product. Loss-of-function variants in BRCA2 are known to be pathogenic (PMID: 20104584). This variant is not present in population databases (gnomAD no frequency). This variant has not been reported in the literature in individuals affected with BRCA2-related conditions. For these reasons, this variant has been classified as Pathogenic.

Literature cited by the submitters: PubMed 20104584 (cited by Labcorp Genetics (formerly Invitae), Labcorp).

NM_000059.4(BRCA2):c.733_740del (p.Ile247fs)

Gene: BRCA2 (BRCA2 DNA repair associated; plus strand). Cytogenetic location: 13q13.1.
Variant type: Deletion.
Coding change: c.733_740del on transcript NM_000059.4 (MANE Select); coding-DNA positions 733 to 740, 8 bases deleted (AGATTTAT; older notation c.733_740delAGATTTAT).
Protein change: p.Ile247fs; shifts the reading frame from isoleucine 247.
Molecular consequence: frameshift variant. On other transcripts: non-coding transcript variant (1).
Genome position (GRCh38, 1-based): chr13:32,330,970-32,330,977, AGATTTAT deleted; deleting any 8 consecutive bases within chr13:32,330,968-32,330,977 gives the same sequence; the c. name uses the placement nearest the transcript's 3' end. VCF-style (leftmost placement, unchanged base first): chr13-32330967-GATAGATTT-G. GRCh37 (hg19) VCF-style: chr13-32905104-GATAGATTT-G.
Other names: c.733_740del, p.Ile247fs (NM_001406719.1, NM_001406720.1, NM_001406721.1); c.364_371del, p.Ile124fs (NM_001406722.1); short protein forms I247fs, I124fs.
Identifiers: ClinVar variation 2833077 (VCV002833077.4), dbSNP rs2548517973, ClinGen allele CA2739277531.
Genomic context (GRCh38, chr13:32,330,967, plus strand): 5'-TAATTTTTGCAGAATGTGAAAAGCTATTTTTCCAATCATGATGAAAGTCTGAAGAAAAAT[GATAGATTT>G]ATCGCTTCTGTGACAGACAGTGAAAACACAAATCAAAGAGAAGCTGCAAGTCATGGTAAG-3'